The following is an entry in ClinVar:

ClinVar aggregate classification (germline): Uncertain significance (1 of 4 stars; one submission).

Conditions:
Arthrogryposis, distal, type 1A. Also called: ARTHROGRYPOSIS MULTIPLEX CONGENITA, DISTAL, TYPE I. Identifiers: Orphanet 1146, MedGen C6022280, MONDO:0007157, OMIM 108120.

gnomAD v4.1: 1 of 1,614,162 alleles (0.000062%); highest among the groups gnomAD compares: Non-Finnish European, 0.000085%; no homozygotes.

Submission:

Labcorp Genetics (formerly Invitae), Labcorp
Classification: Uncertain significance for Arthrogryposis, distal, type 1A. Last evaluated: 2023-01-23. Review status: criteria provided, single submitter. Criteria: Invitae Variant Classification Sherloc (09022015). Collection method: clinical testing. Allele origin: germline.
Comment: Algorithms developed to predict the effect of sequence changes on RNA splicing suggest that this variant may create or strengthen a splice site. In summary, the available evidence is currently insufficient to determine the role of this variant in disease. Therefore, it has been classified as a Variant of Uncertain Significance. This variant has not been reported in the literature in individuals affected with TPM2-related conditions. This variant is not present in population databases (gnomAD no frequency). This sequence change falls in intron 3 of the TPM2 gene. It does not directly change the encoded amino acid sequence of the TPM2 protein.

NM_003289.4(TPM2):c.374+9G>A

Gene: TPM2 (tropomyosin 2; minus strand). Cytogenetic location: 9p13.3.
Variant type: single nucleotide variant.
Coding change: c.374+9G>A on transcript NM_003289.4 (MANE Select); 9 bases into the intron after coding-DNA position 374, G replaced by A.
Molecular consequence: intron variant.
Genome position (GRCh38, 1-based): chr9:35,685,638, C>T on the plus strand (G>A on the coding strand, the complement: TPM2 is on the minus strand). VCF-style: chr9-35685638-C-T. GRCh37 (hg19) VCF-style: chr9-35685635-C-T.
Other names: c.374+9G>A (NM_213674.1, NM_001301226.2, NM_001301227.2).
Identifiers: ClinVar variation 2017923 (VCV002017923.4), dbSNP rs200730708, ClinGen allele CA2580080530.
Genomic context (GRCh38, chr9:35,685,638, plus strand): 5'-AGGGTCAGGACCAGCAGAGACAGGCTCCCTTCTCCCTCCCGGACCATCCTCCCCGAGGCC[C>T]CTGACCACCTCTCGCTCTCATCAGCCGCCTTCTCGGCCTCCTCCAGCTTCTGCAGGGCTG-3'